The following is an entry in ClinVar:

ClinVar aggregate classification (germline): Uncertain significance (1 of 4 stars; one submission).

Conditions:
Epileptic encephalopathy. Identifiers: MedGen C0543888, HP:0200134.

gnomAD v4.1: 2 of 1,613,328 alleles (0.00012%); highest among the groups gnomAD compares: Admixed American, 0.0017%; no homozygotes.

Submission:

Labcorp Genetics (formerly Invitae), Labcorp
Classification: Uncertain significance for Epileptic encephalopathy. Last evaluated: 2021-10-25. Review status: criteria provided, single submitter. Criteria: Invitae Variant Classification Sherloc (09022015). Collection method: clinical testing. Allele origin: germline.
Comment: In summary, the available evidence is currently insufficient to determine the role of this variant in disease. Therefore, it has been classified as a Variant of Uncertain Significance. Algorithms developed to predict the effect of missense changes on protein structure and function are either unavailable or do not agree on the potential impact of this missense change (SIFT: "Deleterious"; PolyPhen-2: "Possibly Damaging"; Align-GVGD: "Class C0"). This variant has not been reported in the literature in individuals affected with GABBR2-related conditions. This variant is not present in population databases (ExAC no frequency). This sequence change replaces threonine with isoleucine at codon 548 of the GABBR2 protein (p.Thr548Ile). The threonine residue is highly conserved and there is a moderate physicochemical difference between threonine and isoleucine.

NM_005458.8(GABBR2):c.1643C>T (p.Thr548Ile)

Gene: GABBR2 (gamma-aminobutyric acid type B receptor subunit 2; minus strand). Cytogenetic location: 9q22.33.
Variant type: single nucleotide variant.
Coding change: c.1643C>T on transcript NM_005458.8 (MANE Select); coding-DNA position 1643, C replaced by T.
Protein change: p.Thr548Ile; replaces threonine 548 with isoleucine.
Molecular consequence: missense variant.
Genome position (GRCh38, 1-based): chr9:98,385,659, G>A on the plus strand (C>T on the coding strand, the complement: GABBR2 is on the minus strand). VCF-style: chr9-98385659-G-A. GRCh37 (hg19) VCF-style: chr9-101147941-G-A.
Other names: short protein forms T548I.
Identifiers: ClinVar variation 1463892 (VCV001463892.6), dbSNP rs758213559, ClinGen allele CA196794615.